The following is an entry in ClinVar:

ClinVar aggregate classification (germline): Uncertain significance (1 of 4 stars; one submission).

Allele frequency attached by ClinVar (database versions not stated): gnomAD exomes below 0.00001.
gnomAD v4.1: 2 of 1,613,930 alleles (0.00012%); highest among the groups gnomAD compares: Non-Finnish European, 0.00017%; no homozygotes.

Submission:

Genetic Services Laboratory, University of Chicago
Classification: Uncertain significance. Last evaluated: 2020-06-19. Review status: criteria provided, single submitter. Criteria: ACMG Guidelines, 2015. Collection method: clinical testing. Allele origin: germline. Affected: no.
Comment: DNA sequence analysis of the CACNA1D gene demonstrated a sequence change in intron 41, c.4983+3G>A. This change does not appear to have been previously described in patients with CACNA1D-related disorders and has also not been described in large population databases such as gnomAD and ExAC. Insilico predictions indicate that this sequence change may have an effect on the canonical donor splice site of intron 41 however functional studies have not been performed to prove this conclusively. The clinical significance of this sequence change is not known at present and its contribution to this patient's disease phenotype cannot definitively be determined.

NM_001128840.3(CACNA1D):c.4923+3G>A

Gene: CACNA1D (calcium voltage-gated channel subunit alpha1 D; plus strand). Cytogenetic location: 3p21.1.
Variant type: single nucleotide variant.
Coding change: c.4923+3G>A on transcript NM_001128840.3 (MANE Select); 3 bases into the intron after coding-DNA position 4923, G replaced by A.
Molecular consequence: intron variant.
Genome position (GRCh38, 1-based): chr3:53,786,955, G>A. VCF-style: chr3-53786955-G-A. GRCh37 (hg19) VCF-style: chr3-53820982-G-A.
Other names: c.4878+3G>A (NM_001128839.3); c.4983+3G>A (NM_000720.4).
Identifiers: ClinVar variation 1337676 (VCV001337676.4), dbSNP rs2109110418, ClinGen allele CA2573052229.